The following is an entry in ClinVar:

NM_025114.4(CEP290):c.4043A>G (p.His1348Arg)

Gene: CEP290 (centrosomal protein 290; minus strand). Cytogenetic location: 12q21.32.
Variant type: single nucleotide variant.
Coding change: c.4043A>G on transcript NM_025114.4 (MANE Select); coding-DNA position 4043, A replaced by G.
Protein change: p.His1348Arg; replaces histidine 1348 with arginine.
Molecular consequence: missense variant.
Genome position (GRCh38, 1-based): chr12:88,087,931, T>C on the plus strand (A>G on the coding strand, the complement: CEP290 is on the minus strand). VCF-style: chr12-88087931-T-C. GRCh37 (hg19) VCF-style: chr12-88481708-T-C.
Other names: c.4043A>G (NM_025114.3); short protein forms H1348R.
Identifiers: ClinVar variation 2086015 (VCV002086015.2), dbSNP rs1285246761, ClinGen allele CA385999338.

ClinVar aggregate classification (germline): Uncertain significance. Review status: criteria provided, multiple submitters, no conflicts (2 of 4 stars). 2 submissions from 2 submitters: Uncertain significance (2). Last evaluated 2025-08-14.

Conditions:
Inborn genetic diseases. Identifiers: MedGen C0950123, MeSH D030342.
Joubert syndrome. Also called: CEREBELLOPARENCHYMAL DISORDER IV; JOUBERT-BOLTSHAUSER SYNDROME; Familial aplasia of the vermis. Identifiers: Orphanet 475, MedGen C5979921, MONDO:0018772.
Nephronophthisis. Also called: Juvenile Nephronophthisis. Identifiers: Orphanet 655, MedGen C0687120, MONDO:0019005, HP:0000090.
Meckel-Gruber syndrome. Also called: DYSENCEPHALIA SPLANCHNOCYSTICA; GRUBER SYNDROME; Dysencephalia splachnocystica. Identifiers: Orphanet 564, MedGen C0265215, MONDO:0018921.

gnomAD v4.1: 1 of 1,172,572 alleles (0.000085%); highest among the groups gnomAD compares: Admixed American, 0.0042%; no homozygotes.

Submissions (2):

Ambry Genetics
Classification: Uncertain significance for Inborn genetic diseases. Last evaluated: 2025-08-14. Review status: criteria provided, single submitter. Criteria: Ambry Variant Classification Scheme 2023. Collection method: clinical testing. Allele origin: germline.

Labcorp Genetics (formerly Invitae), Labcorp
Classification: Uncertain significance for Joubert syndrome; Meckel-Gruber syndrome; Nephronophthisis. Last evaluated: 2021-08-26. Review status: criteria provided, single submitter. Criteria: Invitae Variant Classification Sherloc (09022015). Collection method: clinical testing. Allele origin: germline.
Comment: This sequence change replaces histidine with arginine at codon 1348 of the CEP290 protein (p.His1348Arg). The histidine residue is highly conserved and there is a small physicochemical difference between histidine and arginine. The frequency data for this variant in the population databases is considered unreliable, as metrics indicate insufficient coverage at this position in the ExAC database. This variant has not been reported in the literature in individuals affected with CEP290-related conditions. Algorithms developed to predict the effect of missense changes on protein structure and function are either unavailable or do not agree on the potential impact of this missense change (SIFT: "Tolerated"; PolyPhen-2: "Possibly Damaging"; Align-GVGD: "Class C0"). Algorithms developed to predict the effect of sequence changes on RNA splicing suggest that this variant may create or strengthen a splice site. In summary, the available evidence is currently insufficient to determine the role of this variant in disease. Therefore, it has been classified as a Variant of Uncertain Significance.